The following is an entry in ClinVar:

ClinVar aggregate classification (germline): Likely pathogenic (1 of 4 stars; one submission).

Submission:

Quest Diagnostics Nichols Institute San Juan Capistrano
Classification: Likely pathogenic. Last evaluated: 2021-06-08. Review status: criteria provided, single submitter. Criteria: ACMG/ClinGen CNV Guidelines, 2019. Collection method: clinical testing. Allele origin: unknown.
Comment: The copy number gain of 5q35.2q35.3 involves multiple protein-coding genes, including NSD1 (OMIM 606681), SLC34A1 (OMIM 182309), and F12 (OMIM 610619). Haploinsufficiency of NSD1 is associated with Sotossyndrome 1 (OMIM 117550). The NSD1 gene however is not currently classified as triplosensitive although it is contained within the shortest region of overlap within a larger 5q35 recurrent region associated with \reversed\" Sotos syndrome phenotype, commonly including short stature, microcephaly, delayed bone age, and developmental delay/intellectual disability. Case reports with smaller overlapping duplications of this region, and include NSD1, were described with Silver-Russell syndrome (SRS) and three with reverse Sotos syndrome (Kirchhoff et al., Eur J Med Genet. Jan-Feb2007;50(1):33-42. PMID: 17090394; Reis et al., Genet Mol Res. 2017Jan 23;16(1). PMID: 28128410; Sachwitz et al., Clin Genet. 2017Jan;91(1):73-78. PMID: 27172843; Rosenfeld et al., Mol Syndromol.2013 Jan;3(6):247-54. PMID: 23599694). The individual with SRS carried a de novo 381 Kb duplication. Two individuals with reverse Sotos syndrome carried de novo duplications and one carried a maternally inherited duplication. All patients had phenotypes involving growth retardation and facial anomalies. Heterozygous sequence variants of SLC34A1 and F12 are associated with autosomal dominant disorders, hypophosphatemic nephrolithiasis/osteoporosis-1 (OMIM 612286) and hereditary angioedema type III (OMIM 610618), respectively. There are no similar copy number gains of this region in the general populations of the Database of Genomic Variants. Thus, the classification of this copy number variant (CNV) is likely pathogenic."

GRCh37/hg19 5q35.2-35.3(chr5:176497464-177776599)x3

Genes: B4GALT7 (beta-1,4-galactosyltransferase 7; plus strand), COL23A1 (collagen type XXIII alpha 1 chain; minus strand), DBN1 (drebrin 1; minus strand), DDX41 (DEAD-box helicase 41; minus strand), DOK3 (docking protein 3; minus strand) and 22 more. Cytogenetic location: 5q35.2-35.3.
Variant type: copy number gain.
Change: copy number 3 (three copies instead of two) of chr5:176,497,464-177,776,599 (1.28 Mb, GRCh37 coordinates, 1-based), cytogenetic band 5q35.2-35.3.
Identifiers: ClinVar variation 1340213 (VCV001340213.2).